The following is an entry in ClinVar:

ClinVar aggregate classification (germline): Conflicting classifications of pathogenicity. Review status: criteria provided, conflicting classifications (1 of 4 stars). 2 submissions from 2 submitters: Uncertain significance (1); Benign (1). Last evaluated 2025-05-15.

Conditions:
Intellectual developmental disorder, autosomal dominant 6, with or without seizures. Also called: Intellectual disability, autosomal dominant 6; GRIN2B-related developmental delay, intellectual disability and autism spectrum disorder. Identifiers: Orphanet 589547, MedGen C3151411, MONDO:0013509, OMIM 613970.
Developmental and epileptic encephalopathy, 27 (DEE27). Also called: Epileptic encephalopathy, early infantile, 27; GRIN2B-Related Neurodevelopmental Disorder. Identifiers: Orphanet 3451, MedGen C4015316, MONDO:0014505, OMIM 616139.

Allele frequency attached by ClinVar (database versions not stated): TOPMed 0.00001.
gnomAD v4.1: 8 of 1,614,214 alleles (0.0005%); highest among the groups gnomAD compares: Non-Finnish European, 0.00059%; no homozygotes.

Submissions (2):

Labcorp Genetics (formerly Invitae), Labcorp
Classification: Benign for Developmental and epileptic encephalopathy, 27; Intellectual developmental disorder, autosomal dominant 6, with or without seizures. Last evaluated: 2025-05-15. Review status: criteria provided, single submitter. Criteria: Invitae Variant Classification Sherloc (09022015). Collection method: clinical testing. Allele origin: germline.

GeneDx
Classification: Uncertain significance. Last evaluated: 2022-05-01. Review status: criteria provided, single submitter. Criteria: GeneDx Variant Classification Process June 2021. Collection method: clinical testing. Allele origin: germline. Affected: yes.
Comment: In silico analysis supports that this missense variant does not alter protein structure/function; Has not been previously published as pathogenic or benign to our knowledge

NM_000834.5(GRIN2B):c.4300C>T (p.Leu1434Phe)

Gene: GRIN2B (glutamate ionotropic receptor NMDA type subunit 2B; minus strand). Cytogenetic location: 12p13.1.
Variant type: single nucleotide variant.
Coding change: c.4300C>T on transcript NM_000834.5 (MANE Select); coding-DNA position 4300, C replaced by T.
Protein change: p.Leu1434Phe; replaces leucine 1434 with phenylalanine.
Molecular consequence: missense variant.
Genome position (GRCh38, 1-based): chr12:13,562,938, G>A on the plus strand (C>T on the coding strand, the complement: GRIN2B is on the minus strand). VCF-style: chr12-13562938-G-A. GRCh37 (hg19) VCF-style: chr12-13715872-G-A.
Other names: short protein forms L1434F.
Identifiers: ClinVar variation 1168434 (VCV001168434.11), dbSNP rs1002108827, ClinGen allele CA233132581.